The following is an entry in ClinVar:

ClinVar aggregate classification (germline): Likely pathogenic (1 of 4 stars; one submission).

Conditions:
Cardiovascular phenotype. Identifiers: MedGen CN230736.

Submission:

Molecular Diagnostic Laboratory for Inherited Cardiovascular Disease, Montreal Heart Institute
Classification: Likely pathogenic for Cardiovascular phenotype. Last evaluated: 2026-07-21. Review status: criteria provided, single submitter. Criteria: ACMG Guidelines, 2015. Collection method: clinical testing. Allele origin: germline. Affected: yes.
Comment: PVS1, PM2

NM_001267550.2(TTN):c.55965T>A (p.Tyr18655Ter)

Genes: TTN (titin; minus strand), TTN-AS1 (TTN antisense RNA 1; plus strand). Cytogenetic location: 2q31.2.
Variant type: single nucleotide variant.
Coding change: c.55965T>A on transcript NM_001267550.2 (MANE Select); coding-DNA position 55965, T replaced by A.
Protein change: p.Tyr18655Ter; replaces tyrosine 18655 with a stop codon.
Molecular consequence: nonsense.
Genome position (GRCh38, 1-based): chr2:178,600,939, A>T on the plus strand (T>A on the coding strand, the complement: TTN is on the minus strand). VCF-style: chr2-178600939-A-T. GRCh37 (hg19) VCF-style: chr2-179465666-A-T.
Other names: c.51042T>A, p.Tyr17014Ter (NM_001256850.1); c.28770T>A, p.Tyr9590Ter (NM_003319.4); c.48261T>A, p.Tyr16087Ter (NM_133378.4); c.29145T>A, p.Tyr9715Ter (NM_133432.3); c.29346T>A, p.Tyr9782Ter (NM_133437.4); short protein forms Y16087*, Y17014*, Y18655*, Y9590*, Y9715*, Y9782*.
Identifiers: ClinVar variation 5037804 (VCV005037804.1).